The following is an entry in ClinVar:

ClinVar aggregate classification (germline): Uncertain significance (1 of 4 stars; one submission).

Conditions:
Polycystic kidney disease, adult type (PKD1). Also called: Polycystic Kidney Disease 1, Autosomal Dominant; Polycystic kidney disease 1; Polycystic kidney disease 1, severe; Polycystic Kidney, Autosomal Dominant; POLYCYSTIC KIDNEY DISEASE 1 WITH OR WITHOUT POLYCYSTIC LIVER DISEASE; POLYCYSTIC KIDNEY DISEASE, ADULT, TYPE I. Identifiers: MedGen C3149841, MONDO:0008263, OMIM 173900.

Submission:

MVZ Medizinische Genetik Mainz
Classification: Uncertain significance for Polycystic kidney disease, adult type. Last evaluated: 2021-09-07. Review status: criteria provided, single submitter. Criteria: UK Practice Guidelines For Variant Classification V4 01 2020. Collection method: clinical testing. Allele origin: germline. Inheritance: Autosomal dominant inheritance. Observed: 1 variant allele.
Comment: ACMG Criteria: PM5, PM2_SUP, PP3, PP4 (ACMG Version 3)

NM_001009944.3(PKD1):c.6383A>G (p.Asn2128Ser)

Gene: PKD1 (polycystin 1, transient receptor potential channel interacting; minus strand). Cytogenetic location: 16p13.3.
Variant type: single nucleotide variant.
Coding change: c.6383A>G on transcript NM_001009944.3 (MANE Select); coding-DNA position 6383, A replaced by G.
Protein change: p.Asn2128Ser; replaces asparagine 2128 with serine.
Molecular consequence: missense variant.
Genome position (GRCh38, 1-based): chr16:2,108,784, T>C on the plus strand (A>G on the coding strand, the complement: PKD1 is on the minus strand). VCF-style: chr16-2108784-T-C. GRCh37 (hg19) VCF-style: chr16-2158785-T-C.
Other names: c.6383A>G, p.Asn2128Ser (NM_000296.4); short protein forms N2128S.
Identifiers: ClinVar variation 3235998 (VCV003235998.1), dbSNP rs2544803461, ClinGen allele CA394373667.